The following is an entry in ClinVar:

NM_014795.4(ZEB2):c.295AAC[1] (p.Asn100del)

Gene: ZEB2 (zinc finger E-box binding homeobox 2; minus strand). Cytogenetic location: 2q22.3.
Variant type: Microsatellite.
Coding change: c.295AAC[1] on transcript NM_014795.4 (MANE Select); one copy of the 3-base unit AAC starting at c.295; the reference has two copies in a row; one copy, 3 bases deleted; also written c.298_300del.
Protein change: p.Asn100del; deletes asparagine 100.
Molecular consequence: inframe deletion.
Genome position (GRCh38, 1-based): chr2:144,429,800-144,429,802, GTT deleted on the plus strand (AAC on the coding strand, the reverse complement: ZEB2 is on the minus strand); deleting any 3 consecutive bases within chr2:144,429,800-144,429,807 gives the same sequence; the position shown is the placement nearest the transcript's 3' end. VCF-style (leftmost placement, unchanged base first): chr2-144429799-CGTT-C. GRCh37 (hg19) VCF-style: chr2-145187366-CGTT-C.
Other names: c.295AAC[1], p.Asn100del (NM_001171653.2); c.298_300del (NM_014795.3); short protein forms N100del.
Identifiers: ClinVar variation 4764 (VCV000004764.11), dbSNP rs587776610, ClinGen allele CA117062.

ClinVar aggregate classification (germline): Uncertain significance. Review status: criteria provided, multiple submitters, no conflicts (2 of 4 stars). 3 submissions from 3 submitters: Uncertain significance (2). 1 of the submissions does not count toward it. Last evaluated 2024-04-01.

Conditions:
Mowat-Wilson syndrome (MOWS). Also called: Classic Mowat-Wilson Syndrome. Identifiers: Orphanet 2152, MedGen C1856113, MONDO:0009341, OMIM 235730.
Hirschsprung disease-intellectual disability syndrome, late infantile. Also called: HIRSCHSPRUNG DISEASE-MENTAL RETARDATION SYNDROME, LATE INFANTILE. Identifiers: MedGen C4016949.

Submissions (3):

Labcorp Genetics (formerly Invitae), Labcorp
Classification: Uncertain significance for Mowat-Wilson syndrome. Last evaluated: 2024-04-01. Review status: criteria provided, single submitter. Criteria: Invitae Variant Classification Sherloc (09022015). Collection method: clinical testing. Allele origin: germline.
Comment: This variant, c.298_300del, results in the deletion of 1 amino acid(s) of the ZEB2 protein (p.Asn100del), but otherwise preserves the integrity of the reading frame. This variant is present in population databases (rs587776610, gnomAD 0.03%). This variant has been observed in individual(s) with mild clinical features of ZEB2-related conditions (PMID: 12451214). ClinVar contains an entry for this variant (Variation ID: 4764). Experimental studies and prediction algorithms are not available or were not evaluated, and the functional significance of this variant is currently unknown. In summary, the available evidence is currently insufficient to determine the role of this variant in disease. Therefore, it has been classified as a Variant of Uncertain Significance.

Soonchunhyang University Bucheon Hospital, Soonchunhyang University Medical Center
Classification: Uncertain significance for Mowat-Wilson syndrome. Last evaluated: 2016-03-18. Review status: criteria provided, single submitter. Criteria: ACMG Guidelines, 2015. Collection method: reference population. Allele origin: germline. Observed: 1 variant allele.

OMIM
Classification: Pathogenic for HIRSCHSPRUNG DISEASE-MENTAL RETARDATION SYNDROME, LATE INFANTILE. Last evaluated: 2002-11-26. Review status: no assertion criteria provided. Collection method: literature only. Allele origin: germline. Not counted in ClinVar's aggregate classification.

Literature cited by the submitters: PubMed 12451214 (cited by 3 submitters).